The following is an entry in ClinVar:

ClinVar aggregate classification (germline): Uncertain significance. Review status: criteria provided, multiple submitters, no conflicts (2 of 4 stars). 2 submissions from 2 submitters: Uncertain significance (2). Last evaluated 2024-03-06.

Conditions:
Hereditary cancer-predisposing syndrome. Also called: Neoplastic Syndromes, Hereditary; Tumor predisposition; Hereditary Cancer Syndrome; Hereditary neoplastic syndrome. Identifiers: Orphanet 140162, MedGen C0027672, MeSH D009386, MONDO:0015356.

Allele frequency attached by ClinVar (database versions not stated): gnomAD exomes below 0.00001.
gnomAD v4.1: 1 of 1,614,118 alleles (0.000062%); highest among the groups gnomAD compares: Non-Finnish European, 0.000085%; no homozygotes.

Submissions (2):

Ambry Genetics
Classification: Uncertain significance for Hereditary cancer-predisposing syndrome. Last evaluated: 2024-03-06. Review status: criteria provided, single submitter. Criteria: Ambry Variant Classification Scheme 2023. Collection method: clinical testing. Allele origin: germline.
Comment: The p.R527K variant (also known as c.1580G>A), located in coding exon 11 of the PMS2 gene, results from a G to A substitution at nucleotide position 1580. The arginine at codon 527 is replaced by lysine, an amino acid with highly similar properties. This amino acid position is conserved. In addition, this alteration is predicted to be tolerated by in silico analysis. Based on the available evidence, the clinical significance of this alteration remains unclear.

Color Diagnostics, LLC DBA Color Health
Classification: Uncertain significance for Hereditary cancer-predisposing syndrome. Last evaluated: 2019-09-25. Review status: criteria provided, single submitter. Criteria: ACMG Guidelines, 2015. Collection method: clinical testing. Allele origin: germline.
Comment: This missense variant replaces arginine with lysine at codon 527 of the PMS2 protein. Computational prediction tool suggests that this variant may not impact protein structure and function (internally defined REVEL score threshold <= 0.5, PMID: 27666373). Splice site prediction tools suggest that this variant may not impact RNA splicing. To our knowledge, functional studies have not been performed for this variant. This variant has not been reported in individuals affected with hereditary cancer in the literature. This variant has not been identified in the general population by the Genome Aggregation Database (gnomAD). The available evidence is insufficient to determine the role of this variant in disease conclusively. Therefore, this variant is classified as a Variant of Uncertain Significance.

NM_000535.7(PMS2):c.1580G>A (p.Arg527Lys)

Gene: PMS2 (PMS1 homolog 2, mismatch repair system component; minus strand). Cytogenetic location: 7p22.1.
Variant type: single nucleotide variant.
Coding change: c.1580G>A on transcript NM_000535.7 (MANE Select); coding-DNA position 1580, G replaced by A.
Protein change: p.Arg527Lys; replaces arginine 527 with lysine.
Molecular consequence: missense variant. On other transcripts: non-coding transcript variant (1).
Genome position (GRCh38, 1-based): chr7:5,987,185, C>T on the plus strand (G>A on the coding strand, the complement: PMS2 is on the minus strand). VCF-style: chr7-5987185-C-T. GRCh37 (hg19) VCF-style: chr7-6026816-C-T.
Other names: c.1175G>A, p.Arg392Lys (NM_001322003.2, NM_001322004.2, NM_001322005.2 and 1 more transcripts); c.1424G>A, p.Arg475Lys (NM_001322006.2); c.1262G>A, p.Arg421Lys (NM_001322007.2, NM_001322008.2); c.1019G>A, p.Arg340Lys (NM_001322010.2); c.647G>A, p.Arg216Lys (NM_001322011.2, NM_001322012.2); c.1007G>A, p.Arg336Lys (NM_001322013.2); c.1580G>A, p.Arg527Lys (NM_001322014.2); c.1271G>A, p.Arg424Lys (NM_001322015.2); and 1 more; short protein forms R340K, R421K, R424K, R527K, R336K, R392K, R475K, R216K.
Identifiers: ClinVar variation 924688 (VCV000924688.4), dbSNP rs1783042729, ClinGen allele CA366741553.